The following is an entry in ClinVar:

ClinVar aggregate classification (germline): Likely pathogenic (1 of 4 stars; one submission).

Conditions:
Autosomal recessive polycystic kidney disease (ARPKD). Also called: AR polycystic kidney disease. Identifiers: Orphanet 731, Orphanet 8378, MedGen C0085548, MeSH D017044, MONDO:0009889.

Submission:

Natera, Inc.
Classification: Likely pathogenic for Autosomal recessive polycystic kidney disease. Last evaluated: 2025-01-16. Review status: criteria provided, single submitter. Criteria: Natera Variant Classification Schema (03/2026). Collection method: clinical testing. Allele origin: germline.
Comment: The c.9841del variant in PKHD1 is a frameshift variant predicted to shift the reading frame beginning at codon 3281 and leads to a stop codon 4 codons downstream. This variant is expected to result in nonsense mediated decay, truncation, or a dysfunctional protein product. This variant is rare in the general population with a frequency below the threshold expected for the associated phenotype(s). Given the available evidence, this variant is classified as Likely Pathogenic.

NM_138694.4(PKHD1):c.9841del (p.Ser3281fs)

Gene: PKHD1 (PKHD1 ciliary IPT domain containing fibrocystin/polyductin; minus strand). Cytogenetic location: 6p12.3.
Variant type: Deletion.
Coding change: c.9841del on transcript NM_138694.4 (MANE Select); coding-DNA position 9841, one base deleted (T; older notation c.9841delT).
Protein change: p.Ser3281fs; shifts the reading frame from serine 3281.
Molecular consequence: frameshift variant.
Genome position (GRCh38, 1-based): chr6:51,746,878, A deleted on the plus strand (T on the coding strand, the reverse complement: PKHD1 is on the minus strand); the first of 4 consecutive A bases (chr6:51,746,878-51,746,881); deleting any one gives the same sequence. VCF-style (leftmost placement, unchanged base first): chr6-51746877-GA-G. GRCh37 (hg19) VCF-style: chr6-51611675-GA-G.
Other names: c.9841del, p.Ser3281fs (NM_170724.3); short protein forms S3281fs.
Identifiers: ClinVar variation 4060372 (VCV004060372.2).
Genomic context (GRCh38, chr6:51,746,877, plus strand): 5'-TCTGCATTTGGTAGAATGCAGACATCCAGGTCATCGCTATAGCAACTCTTCACAAAACTA[GA>G]AAAGGTAACATCTGAAATTTTAAAAATATGTATCATAATATTATATCATATAAACCACCA-3'